The following is an entry in ClinVar:

ClinVar aggregate classification (germline): Uncertain significance (1 of 4 stars; one submission).

Conditions:
ATM-related cancer predisposition. Also called: ATM-related cancer susceptibility. Identifiers: MedGen CN377759, MONDO:0700270.

Submission:

Dasa
Classification: Uncertain significance for ATM-related cancer predisposition. Last evaluated: 2025-07-04. Review status: criteria provided, single submitter. Criteria: DASA Assertion Criteria. Collection method: clinical testing. Allele origin: germline.
Comment: NM_000051.4(ATM):c.3291C>A (p.Phe1097Leu) is a missense variant that results in the substitution of phenylalanine with leucine. This variant is absent from population databases. The currently available literature and clinical evidence are not sufficient to establish a definitive association between this variant and the reported condition. Therefore, this variant is classified as a variant of uncertain significance.

NM_000051.4(ATM):c.3291C>A (p.Phe1097Leu)

Gene: ATM (ATM serine/threonine kinase; plus strand). Cytogenetic location: 11q22.3.
Variant type: single nucleotide variant.
Coding change: c.3291C>A on transcript NM_000051.4 (MANE Select); coding-DNA position 3291, C replaced by A.
Protein change: p.Phe1097Leu; replaces phenylalanine 1097 with leucine.
Molecular consequence: missense variant.
Genome position (GRCh38, 1-based): chr11:108,279,497, C>A. VCF-style: chr11-108279497-C-A. GRCh37 (hg19) VCF-style: chr11-108150224-C-A.
Other names: c.3291C>A, p.Phe1097Leu (NM_001351834.2); short protein forms F1097L.
Identifiers: ClinVar variation 4885668 (VCV004885668.2).